The following is an entry in ClinVar:

NM_153026.3(PRICKLE1):c.55A>G (p.Ser19Gly)

Gene: PRICKLE1 (prickle planar cell polarity protein 1; minus strand). Cytogenetic location: 12q12.
Variant type: single nucleotide variant.
Coding change: c.55A>G on transcript NM_153026.3 (MANE Select); coding-DNA position 55, A replaced by G.
Protein change: p.Ser19Gly; replaces serine 19 with glycine.
Molecular consequence: missense variant.
Genome position (GRCh38, 1-based): chr12:42,472,462, T>C on the plus strand (A>G on the coding strand, the complement: PRICKLE1 is on the minus strand). VCF-style: chr12-42472462-T-C. GRCh37 (hg19) VCF-style: chr12-42866264-T-C.
Other names: c.55A>G, p.Ser19Gly (NM_001144881.2, NM_001144882.2, NM_001144883.2); short protein forms S19G.
Identifiers: ClinVar variation 2007309 (VCV002007309.4), dbSNP rs2503484292, ClinGen allele CA384444862.

ClinVar aggregate classification (germline): Uncertain significance (1 of 4 stars; one submission).

Conditions:
Epilepsy, progressive myoclonic, 1B. Also called: PME. Identifiers: Orphanet 308, MedGen C2676254, MONDO:0012904, OMIM 612437.

Submission:

Labcorp Genetics (formerly Invitae), Labcorp
Classification: Uncertain significance for Epilepsy, progressive myoclonic, 1B. Last evaluated: 2023-10-13. Review status: criteria provided, single submitter. Criteria: Invitae Variant Classification Sherloc (09022015). Collection method: clinical testing. Allele origin: germline.
Comment: This sequence change replaces serine, which is neutral and polar, with glycine, which is neutral and non-polar, at codon 19 of the PRICKLE1 protein (p.Ser19Gly). This variant is not present in population databases (gnomAD no frequency). This variant has not been reported in the literature in individuals affected with PRICKLE1-related conditions. ClinVar contains an entry for this variant (Variation ID: 2007309). Advanced modeling of protein sequence and biophysical properties (such as structural, functional, and spatial information, amino acid conservation, physicochemical variation, residue mobility, and thermodynamic stability) performed at Invitae indicates that this missense variant is not expected to disrupt PRICKLE1 protein function. In summary, the available evidence is currently insufficient to determine the role of this variant in disease. Therefore, it has been classified as a Variant of Uncertain Significance.